The following is an entry in ClinVar:

ClinVar aggregate classification (germline): Uncertain significance. Review status: criteria provided, multiple submitters, no conflicts (2 of 4 stars). 2 submissions from 2 submitters: Uncertain significance (2). Last evaluated 2021-11-11.

Allele frequency attached by ClinVar (database versions not stated): gnomAD 0.00001.
gnomAD v4.1: 4 of 1,578,384 alleles (0.00025%); highest among the groups gnomAD compares: Admixed American, 0.0018%; no homozygotes.

Submissions (2):

Labcorp Genetics (formerly Invitae), Labcorp
Classification: Uncertain significance. Last evaluated: 2021-11-11. Review status: criteria provided, single submitter. Criteria: Invitae Variant Classification Sherloc (09022015). Collection method: clinical testing. Allele origin: germline.
Comment: This sequence change replaces histidine, which is basic and polar, with tyrosine, which is neutral and polar, at codon 1460 of the KIAA1549 protein (p.His1460Tyr). This variant is not present in population databases (gnomAD no frequency). This variant has not been reported in the literature in individuals affected with KIAA1549-related conditions. Algorithms developed to predict the effect of missense changes on protein structure and function are either unavailable or do not agree on the potential impact of this missense change (SIFT: "Deleterious"; PolyPhen-2: "Probably Damaging"; Align-GVGD: "Class C0"). In summary, the available evidence is currently insufficient to determine the role of this variant in disease. Therefore, it has been classified as a Variant of Uncertain Significance.

Blueprint Genetics
Classification: Uncertain significance. Last evaluated: 2020-07-27. Review status: criteria provided, single submitter. Criteria: ACMG Guidelines, 2015. Collection method: clinical testing. Allele origin: germline.

NM_001164665.2(KIAA1549):c.4378C>T (p.His1460Tyr)

Gene: KIAA1549 (KIAA1549; minus strand). Cytogenetic location: 7q34.
Variant type: single nucleotide variant.
Coding change: c.4378C>T on transcript NM_001164665.2 (MANE Select); coding-DNA position 4378, C replaced by T.
Protein change: p.His1460Tyr; replaces histidine 1460 with tyrosine.
Molecular consequence: missense variant.
Genome position (GRCh38, 1-based): chr7:138,871,330, G>A on the plus strand (C>T on the coding strand, the complement: KIAA1549 is on the minus strand). VCF-style: chr7-138871330-G-A. GRCh37 (hg19) VCF-style: chr7-138556076-G-A.
Other names: c.4378C>T, p.His1460Tyr (NM_020910.3); short protein forms H1460Y.
Identifiers: ClinVar variation 1388932 (VCV001388932.6), dbSNP rs908169146, ClinGen allele CA167139226.
Genomic context (GRCh38, chr7:138,871,330, plus strand): 5'-GGCTAGCCTCCGGGGGGCGGGAGATCCTGTCCACGTGCTCGAAGATGGAGGCTGATGAGT[G>A]CTGCTCATTTCCCGAACTGGGCAGTGGTGGCCCTGGAACAGAAGGAAAAGCAAAACACAT-3'
Protein context (NP_001158137.1, residues 1450-1470): PPLPSSGNEQ[His1460Tyr]SSASIFEHVD